The following continues an entry in ClinVar:

NM_000059.4(BRCA2):c.9076C>G (p.Gln3026Glu)

Gene: BRCA2. ClinVar aggregate classification (germline): Conflicting classifications of pathogenicity. Uncertain significance (7); Likely benign (3).

Submissions 10 to 15 of 15:

GeneDx
Classification: Uncertain significance. Last evaluated: 2017-05-09. Review status: criteria provided, single submitter. Criteria: GeneDx Variant Classification (06012015). Collection method: clinical testing. Allele origin: germline. Affected: yes.
Comment: This variant is denoted BRCA2 c.9076C>G at the cDNA level, p.Gln3026Glu (Q3026E) at the protein level, and results in the change of a Glutamine to a Glutamic Acid (CAG>GAG). Using alternate nomenclature, this variant has been previously published as BRCA2 9304C>G. This variant has been observed in at least two individuals with suspected Hereditary Breast and Ovarian Cancer (Kauff 2002, Schenkel 2016). BRCA2 Gln3026Glu was not observed at a significant allele frequency in large population cohorts (NHLBI Exome Sequencing Project, The 1000 Genomes Consortium 2015, Lek 2016). Since Glutamine and Glutamic Acid differ in some properties, this is considered a semi-conservative amino acid substitution. BRCA2 Gln3026Glu occurs at a position that is not conserved and is located in the DNA binding domain (Yang 2002). In silico analyses are inconsistent regarding the effect this variant may have on protein structure and function. Based on currently available evidence, it is unclear whether BRCA2 Gln3026Glu is a pathogenic or benign variant. We consider it to be a variant of uncertain significance.

PreventionGenetics, part of Exact Sciences
Classification: Uncertain significance for BRCA2-related condition. Last evaluated: 2024-08-08. Review status: no assertion criteria provided. Collection method: clinical testing. Allele origin: germline. Not counted in ClinVar's aggregate classification.
Comment: The BRCA2 c.9076C>G variant is predicted to result in the amino acid substitution p.Gln3026Glu. This variant was reported as a variant of uncertain significance in an individual with skin cancer (Supplementary Table S2B, Huang et al. 2018. PubMed ID: 29625052) and in individuals with breast and ovarian cancer (Table 3, Fanale et al. 2021. PubMed ID: 34178674). Functional studies have shown that this alteration does not affect BRCA2 function (Supplementary Table 2, Hart et al. 2018. PubMed ID: 29884841, Supplementary Table 2, Hu et al. 2022. PubMed ID: 35736817). This variant is reported in 0.0018% of alleles in individuals of European (Non-Finnish) descent in gnomAD and has conflicting interpretations regarding its pathogenicity in ClinVar, ranging from likely benign to uncertain. At this time, the clinical significance of this variant is uncertain due to the absence of conclusive functional and genetic evidence.

Department of Medical and Surgical Sciences, University of Bologna
Classification: Likely benign for Breast-ovarian cancer, familial, susceptibility to, 2. Last evaluated: 2023-09-01. Review status: no assertion criteria provided. Collection method: clinical testing. Allele origin: germline. Affected: yes. Not counted in ClinVar's aggregate classification.
Comment: PM2(Supporting)+BS3(Strong) according to ACMG/AMP classification guidelines specified for BRCA1 & BRCA2 (Classification Criteria V1.0.0 2023-09-08) (PMID: 38160042)

King Laboratory, University of Washington
Classification: Benign. Last evaluated: 2019-09-01. Review status: no assertion criteria provided. Collection method: research. Allele origin: germline. Affected: yes. Not counted in ClinVar's aggregate classification.
Comment: Transcript analysis by cBROCA

Breast Cancer Information Core (BIC) (BRCA2)
Classification: Uncertain significance for Breast-ovarian cancer, familial 2. Review status: no assertion criteria provided. Collection method: clinical testing. Allele origin: germline. Affected: yes. Observed: 1 variant allele. Not counted in ClinVar's aggregate classification.

Department of Pathology and Laboratory Medicine, Sinai Health System
Classification: Uncertain significance. Review status: no assertion criteria provided. Collection method: clinical testing. Allele origin: unknown. Affected: yes. Study: The Canadian Open Genetics Repository (COGR). Not counted in ClinVar's aggregate classification.
Comment: The BRCA2 p.Gln3026Glu variant was identified in 2 of 620 proband chromosomes (frequency: 0.003) from individuals or families with hereditary breast and ovarian cancer (Kauff 2002, Schenkel 2016). The variant was also identified in following databases: dbSNP (ID: rs80359159) as "Uncertain significance allele", ClinVar (classified as uncertain significance by Invitae, Ambry genetics, GeneDx, BIC), Clinvitae, and LOVD 3.0 (as inconclusive). The variant was not identified in COGR, Cosmic, MutDB, UMD-LSDB, BIC Database, ARUP Laboratories, or Zhejiang University Database. The variant was identified in control databases in 2 of 244944 chromosomes at a frequency of 0.000008 (Genome Aggregation Database Feb 27, 2017). It was observed in the European (Non-Finnish) population in 2 of 110742 chromosomes (freq: 0.00002), but not observed in the African, Other, Latino, Ashkenazi Jewish, East Asian, Finnish, and South Asian populations. One study classified the variant as uncertain significance based on a protein likelihood ratio model (Karchin 2008). The variant was also reported in a study of the incidence of non-founder BRCA1 and BRCA2 mutations in high risk Ashkenazi breast and ovarian cancer families, where it was also classified as a variant of uncertain clinical significance (Kauff 2002). The variant occurs outside of the splicing consensus sequence and in silico or computational prediction software programs (SpliceSiteFinder, MaxEntScan, NNSPLICE, GeneSplicer, HumanSpliceFinder) do not predict a difference in splicing. The p.Gln3026 residue is not conserved in mammals and computational analyses (PolyPhen-2, SIFT, AlignGVGD, BLOSUM, MutationTaster) provide inconsistent predictions regarding the impact to the protein; this information is not very predictive of pathogenicity. In summary, based on the above information the clinical significance of this variant cannot be determined with certainty at this time. This variant is classified as a variant of uncertain significance.

Literature cited by the submitters: PubMed 12161607 (cited by 5 submitters); PubMed 27376475 (cited by 3 submitters); PubMed 29625052 (cited by 4 submitters); PubMed 31161121 (cited by 4 submitters); PubMed 34178674 (cited by 4 submitters); PubMed 36451132 (cited by Labcorp Genetics (formerly Invitae), Labcorp); PubMed 33609447 (cited by Labcorp Genetics (formerly Invitae), Labcorp and Color Diagnostics, LLC DBA Color Health); PubMed 29884841 (cited by 5 submitters); PubMed 35736817 (cited by Labcorp Genetics (formerly Invitae), Labcorp and Color Diagnostics, LLC DBA Color Health); PubMed 31853058 (cited by Color Diagnostics, LLC DBA Color Health); PubMed 33471991 (cited by Color Diagnostics, LLC DBA Color Health and All of Us Research Program, National Institutes of Health); PubMed 39779857 (cited by Color Diagnostics, LLC DBA Color Health); PubMed 19043619 (cited by Women's Health and Genetics/Laboratory Corporation of America, LabCorp); PubMed 22228431 (cited by Women's Health and Genetics/Laboratory Corporation of America, LabCorp); PubMed 28526081 (cited by Women's Health and Genetics/Laboratory Corporation of America, LabCorp); PubMed 31843900 (cited by Women's Health and Genetics/Laboratory Corporation of America, LabCorp and King Laboratory, University of Washington).